The following is an entry in ClinVar:

NM_001017995.3(SH3PXD2B):c.2189C>T (p.Pro730Leu)

Gene: SH3PXD2B (SH3 and PX domains 2B; minus strand). Cytogenetic location: 5q35.1.
Variant type: single nucleotide variant.
Coding change: c.2189C>T on transcript NM_001017995.3 (MANE Select); coding-DNA position 2189, C replaced by T.
Protein change: p.Pro730Leu; replaces proline 730 with leucine.
Molecular consequence: missense variant. On other transcripts: intron variant (1).
Genome position (GRCh38, 1-based): chr5:172,338,916, G>A on the plus strand (C>T on the coding strand, the complement: SH3PXD2B is on the minus strand). VCF-style: chr5-172338916-G-A. GRCh37 (hg19) VCF-style: chr5-171765920-G-A.
Other names: c.2189C>T (NM_001017995.2); c.1188+7220C>T (NM_001308175.2); short protein forms P730L.
Identifiers: ClinVar variation 501675 (VCV000501675.10), dbSNP rs766153965, ClinGen allele CA3561020.

ClinVar aggregate classification (germline): Conflicting classifications of pathogenicity. Review status: criteria provided, conflicting classifications (1 of 4 stars). 7 submissions from 7 submitters: Uncertain significance (5); Likely benign (1). 1 of the submissions does not count toward it. Last evaluated 2026-01-20.

Conditions:
SH3PXD2B-related disorder. Also called: SH3PXD2B-related condition.
Frank-Ter Haar syndrome. Also called: TER HAAR SYNDROME; MELNICK-NEEDLES SYNDROME, AUTOSOMAL RECESSIVE; BORRONE DERMATOCARDIOSKELETAL SYNDROME; Borrone di Rocco Crovato syndrome. Identifiers: Orphanet 1266, Orphanet 137834, MedGen C1855305, MONDO:0009579, OMIM 249420.
Inborn genetic diseases. Identifiers: MedGen C0950123, MeSH D030342.

Allele frequency attached by ClinVar (database versions not stated): TOPMed 0.00004; gnomAD 0.00018 and 0.00019.
gnomAD v4.1: 97 of 1,613,950 alleles (0.006%); highest among the groups gnomAD compares: Middle Eastern, 0.21%; no homozygotes.

Submissions (7):

Labcorp Genetics (formerly Invitae), Labcorp
Classification: Uncertain significance. Last evaluated: 2026-01-20. Review status: criteria provided, single submitter. Criteria: Invitae Variant Classification Sherloc (09022015). Collection method: clinical testing. Allele origin: germline.
Comment: This sequence change replaces proline, which is neutral and non-polar, with leucine, which is neutral and non-polar, at codon 730 of the SH3PXD2B protein (p.Pro730Leu). This variant is present in population databases (rs766153965, gnomAD 0.03%). This variant has not been reported in the literature in individuals affected with SH3PXD2B-related conditions. ClinVar contains an entry for this variant (Variation ID: 501675). An algorithm developed to predict the effect of missense changes on protein structure and function outputs the following: PolyPhen-2: "Benign". The leucine amino acid residue is found in multiple mammalian species, which suggests that this missense change does not adversely affect protein function. In summary, the available evidence is currently insufficient to determine the role of this variant in disease. Therefore, it has been classified as a Variant of Uncertain Significance.

3billion
Classification: Likely benign for Frank-Ter Haar syndrome. Last evaluated: 2024-09-20. Review status: criteria provided, single submitter. Criteria: ACMG Guidelines, 2015. Collection method: clinical testing. Allele origin: germline. Affected: no.
Comment: The homozygous variant was found in patients diagnosed with another variant in a different gene, with no symptoms related to the gene containing the homozygous variant.

Ambry Genetics
Classification: Uncertain significance for Inborn genetic diseases. Last evaluated: 2022-05-16. Review status: criteria provided, single submitter. Criteria: Ambry Variant Classification Scheme 2023. Collection method: clinical testing. Allele origin: germline.

Fulgent Genetics
Classification: Uncertain significance for Frank-Ter Haar syndrome. Last evaluated: 2018-10-31. Review status: criteria provided, single submitter. Criteria: ACMG Guidelines, 2015. Collection method: clinical testing. Allele origin: unknown.

Eurofins Ntd Llc (ga)
Classification: Uncertain significance. Last evaluated: 2017-05-11. Review status: criteria provided, single submitter. Criteria: EGL Classification Definitions 2015. Collection method: clinical testing. Allele origin: germline.

Breakthrough Genomics
Classification: Uncertain significance. Review status: criteria provided, single submitter. Criteria: ACMG Guidelines, 2015. Collection method: not provided. Allele origin: germline. Inheritance: Autosomal recessive inheritance. Affected: yes.

PreventionGenetics, part of Exact Sciences
Classification: Uncertain significance for SH3PXD2B-related condition. Last evaluated: 2024-09-20. Review status: no assertion criteria provided. Collection method: clinical testing. Allele origin: germline. Not counted in ClinVar's aggregate classification.
Comment: The SH3PXD2B c.2189C>T variant is predicted to result in the amino acid substitution p.Pro730Leu. To our knowledge, this variant has not been reported in the literature. This variant is reported in 0.026% of alleles in individuals of Latino descent in gnomAD. At this time, the clinical significance of this variant is uncertain due to the absence of conclusive functional and genetic evidence.